The following is an entry in ClinVar:

ClinVar aggregate classification (germline): Likely pathogenic. Review status: criteria provided, multiple submitters, no conflicts (2 of 4 stars). 3 submissions from 3 submitters: Likely pathogenic (2). 1 of the submissions does not count toward it. Last evaluated 2024-12-03.

Conditions:
Lysinuric protein intolerance (LPI). Identifiers: Orphanet 470, MedGen C0268647, MONDO:0009109, OMIM 222700.

gnomAD v4.1: 1 of 1,612,716 alleles (0.000062%); highest among the groups gnomAD compares: Non-Finnish European, 0.000085%; no homozygotes.

Submissions (3):

Labcorp Genetics (formerly Invitae), Labcorp
Classification: Likely pathogenic for Lysinuric protein intolerance. Last evaluated: 2024-12-03. Review status: criteria provided, single submitter. Criteria: Invitae Variant Classification Sherloc (09022015). Collection method: clinical testing. Allele origin: germline.
Comment: This sequence change replaces arginine, which is basic and polar, with methionine, which is neutral and non-polar, at codon 333 of the SLC7A7 protein (p.Arg333Met). RNA analysis indicates that this missense change induces altered splicing and may result in an absent or altered protein product. This variant is not present in population databases (gnomAD no frequency). This missense change has been observed in individual(s) with lysinuric protein intolerance (PMID: 15776427). ClinVar contains an entry for this variant (Variation ID: 56383). An algorithm developed to predict the effect of missense changes on protein structure and function (PolyPhen-2) suggests that this variant is likely to be disruptive. Variants that disrupt the consensus splice site are a relatively common cause of aberrant splicing (PMID: 17576681, 9536098). Studies have shown that this missense change results in skipping of exon 7, and produces a non-functional protein and/or introduces a premature termination codon (PMID: 15776427). In summary, the currently available evidence indicates that the variant is pathogenic, but additional data are needed to prove that conclusively. Therefore, this variant has been classified as Likely Pathogenic.

Natera, Inc.
Classification: Likely pathogenic for Lysinuric protein intolerance. Last evaluated: 2024-07-19. Review status: criteria provided, single submitter. Criteria: Natera Variant Classification Schema (03/2026). Collection method: clinical testing. Allele origin: germline.
Comment: The c.998G>T variant in SLC7A7 is a missense variant predicted to cause substitution of arginine to methionine at amino acid 333. This variant is rare in the general population with a frequency below the threshold expected for the associated phenotype(s). This variant has been observed in one or more individuals affected with the associated recessive disease, as either homozygous or compound heterozygous with a second variant (PMID: 15776427). Functional studies show that this variant may disrupt protein function (PMID: 15776427). Computational prediction algorithms indicate this variant is likely to affect gene or protein function. Given the available evidence, this variant is classified as Likely Pathogenic.

Juha Muilu Group; Institute for Molecular Medicine Finland (FIMM)
Classification: Likely pathogenic for Lysinuric protein intolerance. Review status: no assertion criteria provided. Collection method: not provided. Allele origin: unknown. Not counted in ClinVar's aggregate classification.
Comment: FinDis database variant: This variant was not found or characterized by our laboratory, data were collected from public sources: see reference
ClinVar note: Converted during submission from probable-pathogenic to Likely pathogenic.

Literature cited by the submitters: PubMed 15776427 (cited by Labcorp Genetics (formerly Invitae), Labcorp and Natera, Inc.); PubMed 17576681 (cited by Labcorp Genetics (formerly Invitae), Labcorp); PubMed 9536098 (cited by Labcorp Genetics (formerly Invitae), Labcorp).

NM_003982.4(SLC7A7):c.998G>T (p.Arg333Met)

Gene: SLC7A7 (solute carrier family 7 member 7; minus strand). Cytogenetic location: 14q11.2.
Variant type: single nucleotide variant.
Coding change: c.998G>T on transcript NM_003982.4 (MANE Select); coding-DNA position 998, G replaced by T.
Protein change: p.Arg333Met; replaces arginine 333 with methionine.
Molecular consequence: missense variant.
Genome position (GRCh38, 1-based): chr14:22,775,833, C>A on the plus strand (G>T on the coding strand, the complement: SLC7A7 is on the minus strand). VCF-style: chr14-22775833-C-A. GRCh37 (hg19) VCF-style: chr14-23245042-C-A.
Other names: c.998G>T, p.Arg333Met (NM_001126105.3, NM_001126106.4); c.998G>T (NM_001126106.2); short protein forms R333M.
Identifiers: ClinVar variation 56383 (VCV000056383.7), dbSNP rs386833829, ClinGen allele CA263856.